The following is an entry in ClinVar:

NM_000316.3(PTH1R):c.1175C>T (p.Thr392Ile)

Gene: PTH1R (parathyroid hormone 1 receptor; plus strand). Cytogenetic location: 3p21.31.
Variant type: single nucleotide variant.
Coding change: c.1175C>T on transcript NM_000316.3 (MANE Select); coding-DNA position 1175, C replaced by T.
Protein change: p.Thr392Ile; replaces threonine 392 with isoleucine.
Molecular consequence: missense variant.
Genome position (GRCh38, 1-based): chr3:46,901,824, C>T. VCF-style: chr3-46901824-C-T. GRCh37 (hg19) VCF-style: chr3-46943314-C-T.
Other names: c.1175C>T, p.Thr392Ile (NM_001184744.1); short protein forms T392I.
Identifiers: ClinVar variation 1001355 (VCV001001355.5), dbSNP rs2032145531, ClinGen allele CA352502547.

ClinVar aggregate classification (germline): Uncertain significance (1 of 4 stars; one submission).

Allele frequency attached by ClinVar (database versions not stated): gnomAD exomes below 0.00001.
gnomAD v4.1: 1 of 1,614,028 alleles (0.000062%); highest among the groups gnomAD compares: Non-Finnish European, 0.000085%; no homozygotes.

Submission:

Labcorp Genetics (formerly Invitae), Labcorp
Classification: Uncertain significance. Last evaluated: 2020-02-05. Review status: criteria provided, single submitter. Criteria: Invitae Variant Classification Sherloc (09022015). Collection method: clinical testing. Allele origin: germline.
Comment: This sequence change replaces threonine with isoleucine at codon 392 of the PTH1R protein (p.Thr392Ile). The threonine residue is highly conserved and there is a moderate physicochemical difference between threonine and isoleucine. In summary, the available evidence is currently insufficient to determine the role of this variant in disease. Therefore, it has been classified as a Variant of Uncertain Significance. Algorithms developed to predict the effect of missense changes on protein structure and function (SIFT, PolyPhen-2, Align-GVGD) all suggest that this variant is likely to be disruptive, but these predictions have not been confirmed by published functional studies and their clinical significance is uncertain. This variant has not been reported in the literature in individuals with PTH1R-related conditions. This variant is not present in population databases (ExAC no frequency).